The following is an entry in ClinVar:

Conditions:
Long QT syndrome 5 (LQT5). Identifiers: Orphanet 101016, Orphanet 768, MedGen C1867904, MONDO:0013372, OMIM 613695.

Submission:

Roden Lab, Vanderbilt University Medical Center
No classification provided (evidence only). Condition: Long QT syndrome 5. Review status: no classification provided. Collection method: in vitro. Allele origin: not applicable. Functional consequence: Effect on ion channel function.
ClinVar note: "not provided" was previously submitted as the classification for the variant. However, the classification appeared to be based only on an observation of functional data so it was converted to no classification on 2025-07-30.

NM_000219.6(KCNE1):c.104C>A (p.Pro35His)

Gene: KCNE1 (potassium voltage-gated channel subfamily E regulatory subunit 1; minus strand). Cytogenetic location: 21q22.12.
Variant type: single nucleotide variant.
Coding change: c.104C>A on transcript NM_000219.6 (MANE Select); coding-DNA position 104, C replaced by A.
Protein change: p.Pro35His; replaces proline 35 with histidine.
Molecular consequence: missense variant.
Genome position (GRCh38, 1-based): chr21:34,449,531, G>T on the plus strand (C>A on the coding strand, the complement: KCNE1 is on the minus strand). VCF-style: chr21-34449531-G-T. GRCh37 (hg19) VCF-style: chr21-35821829-G-T.
Other names: c.104C>A, p.Pro35His (NM_001127668.4, NM_001127669.4, NM_001127670.4 and 4 more transcripts); short protein forms P35H.
Identifiers: ClinVar variation 3374059 (VCV003374059.2).